The following is an entry in ClinVar:

NM_001080414.4(CCDC88C):c.4579A>G (p.Thr1527Ala)

Gene: CCDC88C (coiled-coil and HOOK domain protein 88C; minus strand). Cytogenetic location: 14q32.11.
Variant type: single nucleotide variant.
Coding change: c.4579A>G on transcript NM_001080414.4 (MANE Select); coding-DNA position 4579, A replaced by G.
Protein change: p.Thr1527Ala; replaces threonine 1527 with alanine.
Molecular consequence: missense variant.
Genome position (GRCh38, 1-based): chr14:91,283,380, T>C on the plus strand (A>G on the coding strand, the complement: CCDC88C is on the minus strand). VCF-style: chr14-91283380-T-C. GRCh37 (hg19) VCF-style: chr14-91749724-T-C.
Other names: c.4579A>G (NM_001080414.3); short protein forms T1527A.
Identifiers: ClinVar variation 447019 (VCV000447019.10), dbSNP rs201414940, ClinGen allele CA7308945.

ClinVar aggregate classification (germline): Conflicting classifications of pathogenicity. Review status: criteria provided, conflicting classifications (1 of 4 stars). 6 submissions from 6 submitters: Uncertain significance (2); Likely benign (3). 1 of the submissions does not count toward it. Last evaluated 2023-10-06.

Conditions:
CCDC88C-related disorder. Also called: CCDC88C-related condition; CCDC88C-Related Disorders.
Inborn genetic diseases. Identifiers: MedGen C0950123, MeSH D030342.
Hydrocephalus, nonsyndromic, autosomal recessive 1 (HYC1). Also called: Congenital hydrocephalus 1; Hydrocephalus, nonsyndromic, autosomal recessive. Identifiers: Orphanet 2185, MedGen C3887608, MONDO:0009360, OMIM 236600.
Spinocerebellar ataxia type 40. Identifiers: Orphanet 423275, MedGen C4518336, MONDO:0014475, OMIM 616053.

Allele frequency attached by ClinVar (database versions not stated): gnomAD exomes 0.00003 and 0.00011; ExAC 0.00016; gnomAD 0.00052 and 0.00057; TOPMed 0.00057; ESP Exome Variant Server 0.00097.
gnomAD v4.1: 122 of 1,613,492 alleles (0.0076%); highest among the groups gnomAD compares: African/African-American, 0.15%; 1 homozygote.

Submissions (6):

Blueprint Genetics
Classification: Likely benign. Last evaluated: 2023-10-06. Review status: criteria provided, single submitter. Criteria: ACMG Guidelines, 2015. Collection method: clinical testing. Allele origin: germline.

GeneDx
Classification: Uncertain significance. Last evaluated: 2023-05-12. Review status: criteria provided, single submitter. Criteria: GeneDx Variant Classification Process June 2021. Collection method: clinical testing. Allele origin: germline. Affected: yes.
Comment: In silico analysis supports that this missense variant does not alter protein structure/function; Has not been previously published as pathogenic or benign to our knowledge

Ambry Genetics
Classification: Likely benign for Inborn genetic diseases. Last evaluated: 2021-12-03. Review status: criteria provided, single submitter. Criteria: Ambry Variant Classification Scheme 2023. Collection method: clinical testing. Allele origin: germline.

Athena Diagnostics
Classification: Likely benign. Last evaluated: 2019-01-17. Review status: criteria provided, single submitter. Criteria: Athena Diagnostics criteria. Collection method: clinical testing. Allele origin: unknown.

Fulgent Genetics
Classification: Uncertain significance for Hydrocephalus, nonsyndromic, autosomal recessive 1; Spinocerebellar ataxia type 40. Last evaluated: 2018-10-31. Review status: criteria provided, single submitter. Criteria: ACMG Guidelines, 2015. Collection method: clinical testing. Allele origin: unknown.

PreventionGenetics, part of Exact Sciences
Classification: Likely benign for CCDC88C-related condition. Last evaluated: 2022-04-23. Review status: no assertion criteria provided. Collection method: clinical testing. Allele origin: germline. Not counted in ClinVar's aggregate classification.
Comment: This variant is classified as likely benign based on ACMG/AMP sequence variant interpretation guidelines (Richards et al. 2015 PMID: 25741868, with internal and published modifications).